The following is an entry in ClinVar:

NM_000092.5(COL4A4):c.304G>A (p.Ala102Thr)

Gene: COL4A4 (collagen type IV alpha 4 chain; minus strand). Cytogenetic location: 2q36.3.
Variant type: single nucleotide variant.
Coding change: c.304G>A on transcript NM_000092.5 (MANE Select); coding-DNA position 304, G replaced by A.
Protein change: p.Ala102Thr; replaces alanine 102 with threonine.
Molecular consequence: missense variant.
Genome position (GRCh38, 1-based): chr2:227,121,037, C>T on the plus strand (G>A on the coding strand, the complement: COL4A4 is on the minus strand). VCF-style: chr2-227121037-C-T. GRCh37 (hg19) VCF-style: chr2-227985753-C-T.
Other names: short protein forms A102T.
Identifiers: ClinVar variation 2892526 (VCV002892526.4), dbSNP rs1353334452, ClinGen allele CA350863246.

ClinVar aggregate classification (germline): Conflicting classifications of pathogenicity. Review status: criteria provided, conflicting classifications (1 of 4 stars). 2 submissions from 2 submitters: Uncertain significance (1); Likely benign (1). Last evaluated 2025-01-09.

Conditions:
Inborn genetic diseases. Identifiers: MedGen C0950123, MeSH D030342.

Allele frequency attached by ClinVar (database versions not stated): gnomAD exomes below 0.00001.
gnomAD v4.1: 2 of 1,614,180 alleles (0.00012%); highest among the groups gnomAD compares: Non-Finnish European, 0.00017%; no homozygotes.

Submissions (2):

Ambry Genetics
Classification: Likely benign for Inborn genetic diseases. Last evaluated: 2025-01-09. Review status: criteria provided, single submitter. Criteria: Ambry Variant Classification Scheme 2023. Collection method: clinical testing. Allele origin: germline.

Labcorp Genetics (formerly Invitae), Labcorp
Classification: Uncertain significance. Last evaluated: 2024-02-05. Review status: criteria provided, single submitter. Criteria: Invitae Variant Classification Sherloc (09022015). Collection method: clinical testing. Allele origin: germline.
Comment: This sequence change replaces alanine, which is neutral and non-polar, with threonine, which is neutral and polar, at codon 102 of the COL4A4 protein (p.Ala102Thr). This variant is present in population databases (no rsID available, gnomAD 0.0009%). This variant has not been reported in the literature in individuals affected with COL4A4-related conditions. Advanced modeling of protein sequence and biophysical properties (such as structural, functional, and spatial information, amino acid conservation, physicochemical variation, residue mobility, and thermodynamic stability) performed at Invitae indicates that this missense variant is not expected to disrupt COL4A4 protein function with a negative predictive value of 95%. In summary, the available evidence is currently insufficient to determine the role of this variant in disease. Therefore, it has been classified as a Variant of Uncertain Significance.